The following is an entry in ClinVar:

ClinVar aggregate classification (germline): Uncertain significance. Review status: criteria provided, multiple submitters, no conflicts (2 of 4 stars). 2 submissions from 2 submitters: Uncertain significance (2). Last evaluated 2024-11-15.

Conditions:
Hereditary cancer-predisposing syndrome. Also called: Hereditary Cancer Syndrome; Neoplastic Syndromes, Hereditary; Tumor predisposition; Hereditary neoplastic syndrome. Identifiers: Orphanet 140162, MedGen C0027672, MeSH D009386, MONDO:0015356.
Mitochondrial complex II deficiency, nuclear type 1. Also called: SUCCINATE CoQ REDUCTASE DEFICIENCY. Identifiers: Orphanet 3208, MedGen C5700310, MONDO:0100294, OMIM 252011.
Pheochromocytoma/paraganglioma syndrome 5. Also called: Paragangliomas 5; SDHA-Related Hereditary Paraganglioma-Pheochromocytoma Syndrome. Identifiers: Orphanet 29072, MedGen C3279992, MONDO:0013602, OMIM 614165.

Allele frequency attached by ClinVar (database versions not stated): gnomAD exomes below 0.00001.
gnomAD v4.1: 1 of 1,614,034 alleles (0.000062%); highest among the groups gnomAD compares: Non-Finnish European, 0.000085%; no homozygotes.

Submissions (2):

Ambry Genetics
Classification: Uncertain significance for Hereditary cancer-predisposing syndrome. Last evaluated: 2024-11-15. Review status: criteria provided, single submitter. Criteria: Ambry Variant Classification Scheme 2023. Collection method: clinical testing. Allele origin: germline.
Comment: The p.I471V variant (also known as c.1411A>G), located in coding exon 10 of the SDHA gene, results from an A to G substitution at nucleotide position 1411. The isoleucine at codon 471 is replaced by valine, an amino acid with highly similar properties. This amino acid position is conserved. In addition, this alteration is predicted to be tolerated by in silico analysis. Based on the available evidence, the clinical significance of this variant remains unclear.

Labcorp Genetics (formerly Invitae), Labcorp
Classification: Uncertain significance for Pheochromocytoma/paraganglioma syndrome 5; Mitochondrial complex II deficiency, nuclear type 1. Last evaluated: 2024-04-26. Review status: criteria provided, single submitter. Criteria: Invitae Variant Classification Sherloc (09022015). Collection method: clinical testing. Allele origin: germline.
Comment: This sequence change replaces isoleucine, which is neutral and non-polar, with valine, which is neutral and non-polar, at codon 471 of the SDHA protein (p.Ile471Val). This variant is not present in population databases (gnomAD no frequency). This variant has not been reported in the literature in individuals affected with SDHA-related conditions. ClinVar contains an entry for this variant (Variation ID: 957220). Advanced modeling of protein sequence and biophysical properties (such as structural, functional, and spatial information, amino acid conservation, physicochemical variation, residue mobility, and thermodynamic stability) performed at Invitae indicates that this missense variant is not expected to disrupt SDHA protein function with a negative predictive value of 95%. In summary, the available evidence is currently insufficient to determine the role of this variant in disease. Therefore, it has been classified as a Variant of Uncertain Significance.

NM_004168.4(SDHA):c.1411A>G (p.Ile471Val)

Gene: SDHA (succinate dehydrogenase complex flavoprotein subunit A; plus strand). Cytogenetic location: 5p15.33.
Variant type: single nucleotide variant.
Coding change: c.1411A>G on transcript NM_004168.4 (MANE Select); coding-DNA position 1411, A replaced by G.
Protein change: p.Ile471Val; replaces isoleucine 471 with valine.
Molecular consequence: missense variant.
Genome position (GRCh38, 1-based): chr5:236,578, A>G. VCF-style: chr5-236578-A-G. GRCh37 (hg19) VCF-style: chr5-236693-A-G.
Other names: c.1267A>G, p.Ile423Val (NM_001294332.2); c.1411A>G, p.Ile471Val (NM_001330758.2); c.1411A>G (NM_004168.2); short protein forms I471V, I423V.
Identifiers: ClinVar variation 957220 (VCV000957220.11), dbSNP rs1735800203, ClinGen allele CA359014099.